The following is an entry in ClinVar:

NM_001114748.2(TMEM240):c.418C>G (p.Leu140Val)

Gene: TMEM240 (transmembrane protein 240; minus strand). Cytogenetic location: 1p36.33.
Variant type: single nucleotide variant.
Coding change: c.418C>G on transcript NM_001114748.2 (MANE Select); coding-DNA position 418, C replaced by G.
Protein change: p.Leu140Val; replaces leucine 140 with valine.
Molecular consequence: missense variant.
Genome position (GRCh38, 1-based): chr1:1,535,463, G>C on the plus strand (C>G on the coding strand, the complement: TMEM240 is on the minus strand). VCF-style: chr1-1535463-G-C. GRCh37 (hg19) VCF-style: chr1-1470843-G-C.
Other names: short protein forms L140V.
Identifiers: ClinVar variation 1918472 (VCV001918472.5), dbSNP rs1221398549, ClinGen allele CA337866060.

ClinVar aggregate classification (germline): Uncertain significance (1 of 4 stars; one submission).

Submission:

Labcorp Genetics (formerly Invitae), Labcorp
Classification: Uncertain significance. Last evaluated: 2022-05-22. Review status: criteria provided, single submitter. Criteria: Invitae Variant Classification Sherloc (09022015). Collection method: clinical testing. Allele origin: germline.
Comment: In summary, the available evidence is currently insufficient to determine the role of this variant in disease. Therefore, it has been classified as a Variant of Uncertain Significance. Algorithms developed to predict the effect of missense changes on protein structure and function (SIFT, PolyPhen-2, Align-GVGD) all suggest that this variant is likely to be tolerated. This variant has not been reported in the literature in individuals affected with TMEM240-related conditions. This variant is present in population databases (no rsID available, gnomAD 0.007%). This sequence change replaces leucine, which is neutral and non-polar, with valine, which is neutral and non-polar, at codon 140 of the TMEM240 protein (p.Leu140Val).